The following is an entry in ClinVar:

ClinVar aggregate classification (germline): Uncertain significance (1 of 4 stars; one submission).

Submission:

Labcorp Genetics (formerly Invitae), Labcorp
Classification: Uncertain significance. Last evaluated: 2023-02-08. Review status: criteria provided, single submitter. Criteria: Invitae Variant Classification Sherloc (09022015). Collection method: clinical testing. Allele origin: germline.
Comment: This variant has not been reported in the literature in individuals affected with AP3D1-related conditions. In summary, the available evidence is currently insufficient to determine the role of this variant in disease. Therefore, it has been classified as a Variant of Uncertain Significance. Experimental studies and prediction algorithms are not available or were not evaluated, and the functional significance of this variant is currently unknown. The frequency data for this variant in the population databases is considered unreliable, as metrics indicate poor data quality at this position in the gnomAD database. This variant, c.2593_2595del, results in the deletion of 1 amino acid(s) of the AP3D1 protein (p.Glu865del), but otherwise preserves the integrity of the reading frame.

NM_001261826.3(AP3D1):c.2593_2595del (p.Glu865del)

Gene: AP3D1 (adaptor related protein complex 3 subunit delta 1; minus strand). Cytogenetic location: 19p13.3.
Variant type: Deletion.
Coding change: c.2593_2595del on transcript NM_001261826.3 (MANE Select); coding-DNA positions 2593 to 2595, 3 bases deleted (GAG; older notation c.2593_2595delGAG).
Protein change: p.Glu865del; deletes glutamic acid 865.
Molecular consequence: inframe deletion.
Genome position (GRCh38, 1-based): chr19:2,114,131-2,114,133, CTC deleted on the plus strand (GAG on the coding strand, the reverse complement: AP3D1 is on the minus strand); deleting any 3 consecutive bases within chr19:2,114,131-2,114,135 gives the same sequence; the c. name uses the placement nearest the transcript's 3' end. VCF-style (leftmost placement, unchanged base first): chr19-2114130-TCTC-T. GRCh37 (hg19) VCF-style: chr19-2114129-TCTC-T.
Other names: c.2593_2595del, p.Glu865del (NM_001374799.1, NM_003938.8); short protein forms E865del.
Identifiers: ClinVar variation 2822241 (VCV002822241.3), dbSNP rs1184570641, ClinGen allele CA631305101.